The following is an entry in ClinVar:

ClinVar aggregate classification (germline): Uncertain significance (1 of 4 stars; one submission).

Submission:

Labcorp Genetics (formerly Invitae), Labcorp
Classification: Uncertain significance. Last evaluated: 2022-07-19. Review status: criteria provided, single submitter. Criteria: Invitae Variant Classification Sherloc (09022015). Collection method: clinical testing. Allele origin: germline.
Comment: In summary, the available evidence is currently insufficient to determine the role of this variant in disease. Therefore, it has been classified as a Variant of Uncertain Significance. Algorithms developed to predict the effect of missense changes on protein structure and function are either unavailable or do not agree on the potential impact of this missense change (SIFT: "Tolerated"; PolyPhen-2: "Not Available"; Align-GVGD: "Class C0"). This variant has not been reported in the literature in individuals affected with TET3-related conditions. This variant is not present in population databases (gnomAD no frequency). This sequence change replaces arginine, which is basic and polar, with glycine, which is neutral and non-polar, at codon 395 of the TET3 protein (p.Arg395Gly).

NM_001287491.2(TET3):c.1183A>G (p.Arg395Gly)

Gene: TET3 (tet methylcytosine dioxygenase 3; plus strand). Cytogenetic location: 2p13.1.
Variant type: single nucleotide variant.
Coding change: c.1183A>G on transcript NM_001287491.2 (MANE Select); coding-DNA position 1183, A replaced by G.
Protein change: p.Arg395Gly; replaces arginine 395 with glycine.
Molecular consequence: missense variant.
Genome position (GRCh38, 1-based): chr2:74,047,100, A>G. VCF-style: chr2-74047100-A-G. GRCh37 (hg19) VCF-style: chr2-74274227-A-G.
Other names: c.904A>G, p.Arg302Gly (NM_001366022.1); c.778A>G, p.Arg260Gly (NM_144993.1); short protein forms R260G, R302G, R395G.
Identifiers: ClinVar variation 2169125 (VCV002169125.4), dbSNP rs1687670186, ClinGen allele CA347327190.